The following is an entry in ClinVar:

NM_001061.7(TBXAS1):c.621T>A (p.Asp207Glu)

Gene: TBXAS1 (thromboxane A synthase 1; plus strand). Cytogenetic location: 7q34.
Variant type: single nucleotide variant.
Coding change: c.621T>A on transcript NM_001061.7 (MANE Select); coding-DNA position 621, T replaced by A.
Protein change: p.Asp207Glu; replaces aspartic acid 207 with glutamic acid.
Molecular consequence: missense variant.
Genome position (GRCh38, 1-based): chr7:139,955,540, T>A. VCF-style: chr7-139955540-T-A. GRCh37 (hg19) VCF-style: chr7-139655339-T-A.
Other names: c.621T>A, p.Asp207Glu (NM_001130966.5, NM_030984.6); c.759T>A, p.Asp253Glu (NM_001166253.4); c.420T>A, p.Asp140Glu (NM_001166254.4); c.564T>A, p.Asp188Glu (NM_001314028.4); c.438T>A, p.Asp146Glu (NM_001366537.3); c.624T>A (NM_001061.4); short protein forms D140E, D146E, D188E, D207E, D253E.
Identifiers: ClinVar variation 1668674 (VCV001668674.12), dbSNP rs143125111, ClinGen allele CA4511735.
Genomic context (GRCh38, chr7:139,955,540, plus strand): 5'-AGATGTGGTTGCCAGCGTCGCCTTTGGCACCCCGGTGGACTCCTGGCAGGCCCCTGAGGA[T>A]CCCTTTGTGAAACACTGCAAGCGTTTCTTCGAATTCTGCATCCCCAGACCTATCCTGGTT-3'
Protein context (NP_001052.3, residues 197-217): TPVDSWQAPE[Asp207Glu]PFVKHCKRFF

ClinVar aggregate classification (germline): Conflicting classifications of pathogenicity. Review status: criteria provided, conflicting classifications (1 of 4 stars). 3 submissions from 3 submitters: Uncertain significance (1); Likely benign (1). 1 of the submissions does not count toward it. Last evaluated 2025-12-03.

Conditions:
TBXAS1-related disorder. Also called: TBXAS1-related condition.

Allele frequency attached by ClinVar (database versions not stated): ExAC 0.00029; 1000 Genomes Project 30x 0.00031; 1000 Genomes Project 0.00040; gnomAD 0.00067 and 0.00072; TOPMed 0.00088; ESP Exome Variant Server 0.00154; gnomAD exomes 0.00008 and 0.00023.
gnomAD v4.1: 227 of 1,614,168 alleles (0.014%); highest among the groups gnomAD compares: African/African-American, 0.26%; no homozygotes.

Submissions (3):

Labcorp Genetics (formerly Invitae), Labcorp
Classification: Likely benign. Last evaluated: 2025-12-03. Review status: criteria provided, single submitter. Criteria: Invitae Variant Classification Sherloc (09022015). Collection method: clinical testing. Allele origin: germline.

Women's Health and Genetics/Laboratory Corporation of America, LabCorp
Classification: Uncertain significance. Last evaluated: 2024-04-02. Review status: criteria provided, single submitter. Criteria: LabCorp Variant Classification Summary - May 2015. Collection method: clinical testing. Allele origin: germline.
Comment: Variant summary: TBXAS1 c.621T>A (p.Asp207Glu) results in a conservative amino acid change in the encoded protein sequence. Four of five in-silico tools predict a benign effect of the variant on protein function. The variant allele was found at a frequency of 0.00023 in 251480 control chromosomes. This frequency is not significantly higher than estimated for a pathogenic variant in TBXAS1 causing Ghosal Hematodiaphyseal Dysplasia, allowing no conclusion about variant significance. To our knowledge, no occurrence of c.621T>A in individuals affected with Ghosal Hematodiaphyseal Dysplasia and no experimental evidence demonstrating its impact on protein function have been reported. ClinVar contains an entry for this variant (Variation ID: 1668674). Based on the evidence outlined above, the variant was classified as uncertain significance.

PreventionGenetics, part of Exact Sciences
Classification: Likely benign for TBXAS1-related condition. Last evaluated: 2024-04-21. Review status: no assertion criteria provided. Collection method: clinical testing. Allele origin: germline. Not counted in ClinVar's aggregate classification.
Comment: This variant is classified as likely benign based on ACMG/AMP sequence variant interpretation guidelines (Richards et al. 2015 PMID: 25741868, with internal and published modifications).